The following is an entry in ClinVar:

ClinVar aggregate classification (germline): Uncertain significance. Review status: criteria provided, multiple submitters, no conflicts (2 of 4 stars). 2 submissions from 2 submitters: Uncertain significance (2). Last evaluated 2024-04-02.

Conditions:
Tumoral calcinosis, hyperphosphatemic, familial, 1. Also called: CALCINOSIS, TUMORAL, WITH HYPERPHOSPHATEMIA; LIPOCALCINOGRANULOMATOSIS; MORBUS TEUTSCHLAENDER; TEUTSCHLAENDER DISEASE, FAMILIAL; TUMORAL CALCINOSIS, PRIMARY HYPERPHOSPHATEMIC; CORTICAL HYPEROSTOSIS WITH HYPERPHOSPHATEMIA. Identifiers: Orphanet 53715, MedGen C4692564, MONDO:0100252, OMIM 211900.

Allele frequency attached by ClinVar (database versions not stated): gnomAD 0.00009; TOPMed 0.00009; gnomAD exomes 0.00014; 1000 Genomes Project 0.00060; ExAC 0.00008; 1000 Genomes Project 30x 0.00062.
gnomAD v4.1: 221 of 1,613,824 alleles (0.014%); highest among the groups gnomAD compares: Non-Finnish European, 0.018%; no homozygotes.

Submissions (2):

Fulgent Genetics
Classification: Uncertain significance for Tumoral calcinosis, hyperphosphatemic, familial, 1. Last evaluated: 2024-04-02. Review status: criteria provided, single submitter. Criteria: ACMG Guidelines, 2015. Collection method: clinical testing. Allele origin: germline.

Labcorp Genetics (formerly Invitae), Labcorp
Classification: Uncertain significance. Last evaluated: 2022-10-24. Review status: criteria provided, single submitter. Criteria: Invitae Variant Classification Sherloc (09022015). Collection method: clinical testing. Allele origin: germline.
Comment: This sequence change replaces isoleucine, which is neutral and non-polar, with serine, which is neutral and polar, at codon 258 of the GALNT3 protein (p.Ile258Ser). This variant is present in population databases (rs45498901, gnomAD 0.01%). This variant has not been reported in the literature in individuals affected with GALNT3-related conditions. Advanced modeling of protein sequence and biophysical properties (such as structural, functional, and spatial information, amino acid conservation, physicochemical variation, residue mobility, and thermodynamic stability) performed at Invitae indicates that this missense variant is not expected to disrupt GALNT3 protein function. In summary, the available evidence is currently insufficient to determine the role of this variant in disease. Therefore, it has been classified as a Variant of Uncertain Significance.

NM_004482.4(GALNT3):c.773T>G (p.Ile258Ser)

Gene: GALNT3 (polypeptide N-acetylgalactosaminyltransferase 3; minus strand). Cytogenetic location: 2q24.3.
Variant type: single nucleotide variant.
Coding change: c.773T>G on transcript NM_004482.4 (MANE Select); coding-DNA position 773, T replaced by G.
Protein change: p.Ile258Ser; replaces isoleucine 258 with serine.
Molecular consequence: missense variant.
Genome position (GRCh38, 1-based): chr2:165,761,970, A>C on the plus strand (T>G on the coding strand, the complement: GALNT3 is on the minus strand). VCF-style: chr2-165761970-A-C. GRCh37 (hg19) VCF-style: chr2-166618480-A-C.
Other names: short protein forms I258S.
Identifiers: ClinVar variation 2197632 (VCV002197632.2), dbSNP rs45498901, ClinGen allele CA1941129.